The following is an entry in ClinVar:

ClinVar aggregate classification (germline): Uncertain significance (1 of 4 stars; one submission).

gnomAD v4.1: 9 of 1,613,240 alleles (0.00056%); highest among the groups gnomAD compares: Non-Finnish European, 0.00076%; no homozygotes.

Submission:

Ambry Genetics
Classification: Uncertain significance. Last evaluated: 2025-04-19. Review status: criteria provided, single submitter. Criteria: Ambry Variant Classification Scheme 2023. Collection method: clinical testing. Allele origin: germline.
Comment: The p.E910Q variant (also known as c.2728G>C), located in coding exon 8 of the CDK12 gene, results from a G to C substitution at nucleotide position 2728. The glutamic acid at codon 910 is replaced by glutamine, an amino acid with highly similar properties. This amino acid position is conserved. In addition, this alteration is predicted to be tolerated by in silico analysis. Based on the available evidence, the clinical significance of this variant remains unclear.

NM_016507.4(CDK12):c.2728G>C (p.Glu910Gln)

Gene: CDK12 (cyclin dependent kinase 12; plus strand). Cytogenetic location: 17q12.
Variant type: single nucleotide variant.
Coding change: c.2728G>C on transcript NM_016507.4 (MANE Select); coding-DNA position 2728, G replaced by C.
Protein change: p.Glu910Gln; replaces glutamic acid 910 with glutamine.
Molecular consequence: missense variant.
Genome position (GRCh38, 1-based): chr17:39,511,590, G>C. VCF-style: chr17-39511590-G-C. GRCh37 (hg19) VCF-style: chr17-37667843-G-C.
Other names: c.2728G>C, p.Glu910Gln (NM_015083.4); short protein forms E910Q.
Identifiers: ClinVar variation 3999374 (VCV003999374.1).
Genomic context (GRCh38, chr17:39,511,590, plus strand): 5'-CGCCCTTACACAAACAAAGTCATTACTTTGTGGTACCGACCTCCAGAACTACTGCTAGGA[G>C]AGGAACGTTACACACCAGCCATAGATGTTTGGAGCTGTGGGTAAGGTTCTGTTAACTTTT-3'
Protein context (NP_057591.2, residues 900-920): WYRPPELLLG[Glu910Gln]ERYTPAIDVW